The following is an entry in ClinVar:

NM_032043.3(BRIP1):c.1112A>G (p.Tyr371Cys)

Gene: BRIP1 (BRCA1 interacting DNA helicase 1; minus strand). Cytogenetic location: 17q23.2.
Variant type: single nucleotide variant.
Coding change: c.1112A>G on transcript NM_032043.3 (MANE Select); coding-DNA position 1112, A replaced by G.
Protein change: p.Tyr371Cys; replaces tyrosine 371 with cysteine.
Molecular consequence: missense variant.
Genome position (GRCh38, 1-based): chr17:61,801,281, T>C on the plus strand (A>G on the coding strand, the complement: BRIP1 is on the minus strand). VCF-style: chr17-61801281-T-C. GRCh37 (hg19) VCF-style: chr17-59878642-T-C.
Other names: short protein forms Y371C.
Identifiers: ClinVar variation 407853 (VCV000407853.16), dbSNP rs1060501768, ClinGen allele CA16615528.

ClinVar aggregate classification (germline): Uncertain significance. Review status: criteria provided, multiple submitters, no conflicts (2 of 4 stars). 3 submissions from 3 submitters: Uncertain significance (3). Last evaluated 2025-10-22.

Conditions:
Hereditary cancer-predisposing syndrome. Also called: Hereditary neoplastic syndrome; Neoplastic Syndromes, Hereditary; Tumor predisposition; Hereditary Cancer Syndrome. Identifiers: Orphanet 140162, MedGen C0027672, MeSH D009386, MONDO:0015356.
Familial cancer of breast. Also called: Hereditary breast cancer; hereditary breast carcinoma; BREAST CANCER, FAMILIAL. Identifiers: Orphanet 227535, MedGen C0346153, MONDO:0016419, OMIM 114480. Disease mechanism: loss of function.
Fanconi anemia complementation group J. Also called: BRIP1-Related Fanconi Anemia. Identifiers: Orphanet 84, MedGen C1836860, MONDO:0012187, OMIM 609054.

Allele frequency attached by ClinVar (database versions not stated): gnomAD exomes below 0.00001; TOPMed 0.00001.
gnomAD v4.1: 2 of 1,613,914 alleles (0.00012%); highest among the groups gnomAD compares: East Asian, 0.0022%; no homozygotes.

Submissions (3):

Ambry Genetics
Classification: Uncertain significance for Hereditary cancer-predisposing syndrome. Last evaluated: 2025-10-22. Review status: criteria provided, single submitter. Criteria: Ambry Variant Classification Scheme 2023. Collection method: clinical testing. Allele origin: germline.
Comment: The p.Y371C variant (also known as c.1112A>G), located in coding exon 7 of the BRIP1 gene, results from an A to G substitution at nucleotide position 1112. The tyrosine at codon 371 is replaced by cysteine, an amino acid with highly dissimilar properties. This amino acid position is highly conserved in available vertebrate species. In addition, this alteration is predicted to be deleterious by in silico analysis. Since supporting evidence is limited at this time, the clinical significance of this alteration remains unclear.

Labcorp Genetics (formerly Invitae), Labcorp
Classification: Uncertain significance for Familial cancer of breast; Fanconi anemia complementation group J. Last evaluated: 2025-05-02. Review status: criteria provided, single submitter. Criteria: Invitae Variant Classification Sherloc (09022015). Collection method: clinical testing. Allele origin: germline.
Comment: This sequence change replaces tyrosine, which is neutral and polar, with cysteine, which is neutral and slightly polar, at codon 371 of the BRIP1 protein (p.Tyr371Cys). This variant is not present in population databases (gnomAD no frequency). This variant has not been reported in the literature in individuals affected with BRIP1-related conditions. ClinVar contains an entry for this variant (Variation ID: 407853). Invitae Evidence Modeling of protein sequence and biophysical properties (such as structural, functional, and spatial information, amino acid conservation, physicochemical variation, residue mobility, and thermodynamic stability) indicates that this missense variant is expected to disrupt BRIP1 protein function with a positive predictive value of 95%. In summary, the available evidence is currently insufficient to determine the role of this variant in disease. Therefore, it has been classified as a Variant of Uncertain Significance.

Color Diagnostics, LLC DBA Color Health
Classification: Uncertain significance for Hereditary cancer-predisposing syndrome. Last evaluated: 2024-03-06. Review status: criteria provided, single submitter. Criteria: ACMG Guidelines, 2015. Collection method: clinical testing. Allele origin: germline.
Comment: This missense variant replaces tyrosine with cysteine at codon 371 of the BRIP1 protein. Computational prediction suggests that this variant may have deleterious impact on protein structure and function (internally defined REVEL score threshold >= 0.7, PMID: 27666373). To our knowledge, functional studies have not been reported for this variant. This variant has not been reported in individuals affected with hereditary cancer in the literature. This variant has not been identified in the general population by the Genome Aggregation Database (gnomAD). The available evidence is insufficient to determine the role of this variant in disease conclusively. Therefore, this variant is classified as a Variant of Uncertain Significance.